The following is an entry in ClinVar:

ClinVar aggregate classification (germline): Likely benign. Review status: criteria provided, multiple submitters, no conflicts (2 of 4 stars). 2 submissions from 2 submitters: Likely benign (2). Last evaluated 2023-12-02.

Conditions:
Cerebral creatine deficiency syndrome. Also called: Creatine deficiency syndromes. Identifiers: Orphanet 79172, MedGen C5244016, MONDO:0000456.

gnomAD v4.1: 2 of 1,613,168 alleles (0.00012%); highest among the groups gnomAD compares: Non-Finnish European, 0.00017%; no homozygotes.

Submissions (2):

Labcorp Genetics (formerly Invitae), Labcorp
Classification: Likely benign for Cerebral creatine deficiency syndrome. Last evaluated: 2023-12-02. Review status: criteria provided, single submitter. Criteria: Invitae Variant Classification Sherloc (09022015). Collection method: clinical testing. Allele origin: germline.

GeneDx
Classification: Likely benign. Last evaluated: 2017-07-06. Review status: criteria provided, single submitter. Criteria: GeneDx Variant Classification (06012015). Collection method: clinical testing. Allele origin: germline. Affected: yes.
Comment: This variant is considered likely benign or benign based on one or more of the following criteria: it is a conservative change, it occurs at a poorly conserved position in the protein, it is predicted to be benign by multiple in silico algorithms, and/or has population frequency not consistent with disease.

NM_000156.6(GAMT):c.372G>C (p.Leu124=)

Gene: GAMT (guanidinoacetate N-methyltransferase; minus strand). Cytogenetic location: 19p13.3.
Variant type: single nucleotide variant.
Coding change: c.372G>C on transcript NM_000156.6 (MANE Select); coding-DNA position 372, G replaced by C.
Protein change: p.Leu124=; no amino-acid change (leucine 124 retained).
Molecular consequence: synonymous variant.
Genome position (GRCh38, 1-based): chr19:1,399,543, C>G on the plus strand (G>C on the coding strand, the complement: GAMT is on the minus strand). VCF-style: chr19-1399543-C-G. GRCh37 (hg19) VCF-style: chr19-1399542-C-G.
Other names: c.372G>C, p.Leu124= (NM_138924.3).
Identifiers: ClinVar variation 510641 (VCV000510641.10), dbSNP rs748762855, ClinGen allele CA504730187.